The following is an entry in ClinVar:

ClinVar aggregate classification (germline): Uncertain significance. Review status: criteria provided, multiple submitters, no conflicts (2 of 4 stars). 2 submissions from 2 submitters: Uncertain significance (2). Last evaluated 2023-12-09.

Conditions:
Inborn genetic diseases. Identifiers: MedGen C0950123, MeSH D030342.

Allele frequency attached by ClinVar (database versions not stated): gnomAD 0.00001; gnomAD exomes 0.00001; ExAC 0.00002; TOPMed 0.00004.
gnomAD v4.1: 16 of 1,613,944 alleles (0.00099%); highest among the groups gnomAD compares: South Asian, 0.0066%; no homozygotes.

Submissions (2):

Ambry Genetics
Classification: Uncertain significance for Inborn genetic diseases. Last evaluated: 2023-12-09. Review status: criteria provided, single submitter. Criteria: Ambry Variant Classification Scheme 2023. Collection method: clinical testing. Allele origin: germline.

Labcorp Genetics (formerly Invitae), Labcorp
Classification: Uncertain significance. Last evaluated: 2022-08-02. Review status: criteria provided, single submitter. Criteria: Invitae Variant Classification Sherloc (09022015). Collection method: clinical testing. Allele origin: germline.
Comment: This sequence change replaces arginine, which is basic and polar, with glutamine, which is neutral and polar, at codon 4216 of the ANK3 protein (p.Arg4216Gln). This variant is present in population databases (rs779784258, gnomAD 0.01%). This variant has not been reported in the literature in individuals affected with ANK3-related conditions. Algorithms developed to predict the effect of missense changes on protein structure and function are either unavailable or do not agree on the potential impact of this missense change (SIFT: "Not Available"; PolyPhen-2: "Probably Damaging"; Align-GVGD: "Not Available"). In summary, the available evidence is currently insufficient to determine the role of this variant in disease. Therefore, it has been classified as a Variant of Uncertain Significance.

NM_020987.5(ANK3):c.12647G>A (p.Arg4216Gln)

Gene: ANK3 (ankyrin 3; minus strand). Cytogenetic location: 10q21.2.
Variant type: single nucleotide variant.
Coding change: c.12647G>A on transcript NM_020987.5 (MANE Select); coding-DNA position 12647, G replaced by A.
Protein change: p.Arg4216Gln; replaces arginine 4216 with glutamine.
Molecular consequence: missense variant.
Genome position (GRCh38, 1-based): chr10:60,059,379, C>T on the plus strand (G>A on the coding strand, the complement: ANK3 is on the minus strand). VCF-style: chr10-60059379-C-T. GRCh37 (hg19) VCF-style: chr10-61819137-C-T.
Other names: c.2519G>A, p.Arg840Gln (NM_001149.4); c.5099G>A, p.Arg1700Gln (NM_001204403.2); c.5120G>A, p.Arg1707Gln (NM_001204404.2); c.5117G>A, p.Arg1706Gln (NM_001320874.2); c.12647G>A (NM_020987.3); short protein forms R4216Q, R1707Q, R1700Q, R840Q, R1706Q.
Identifiers: ClinVar variation 1908862 (VCV001908862.3), dbSNP rs779784258, ClinGen allele CA5510769.